The following is an entry in ClinVar:

ClinVar aggregate classification (germline): Uncertain significance. Review status: criteria provided, multiple submitters, no conflicts (2 of 4 stars). 2 submissions from 2 submitters: Uncertain significance (2). Last evaluated 2019-11-11.

Conditions:
Hypertrophic cardiomyopathy. Also called: HYPERTROPHIC MYOCARDIOPATHY. Identifiers: Orphanet 217569, MedGen C0007194, MeSH D002312, MONDO:0005045, HP:0001639.
Cardiovascular phenotype. Identifiers: MedGen CN230736.

Submissions (2):

Ambry Genetics
Classification: Uncertain significance for Cardiovascular phenotype. Last evaluated: 2019-11-11. Review status: criteria provided, single submitter. Criteria: Ambry Variant Classification Scheme 2023. Collection method: clinical testing. Allele origin: germline.
Comment: The p.G458V variant (also known as c.1373G>T), located in coding exon 12 of the MYH7 gene, results from a G to T substitution at nucleotide position 1373. The glycine at codon 458 is replaced by valine, an amino acid with dissimilar properties. This amino acid position is highly conserved in available vertebrate species. In addition, this alteration is predicted to be deleterious by in silico analysis. Since supporting evidence is limited at this time, the clinical significance of this alteration remains unclear.

Labcorp Genetics (formerly Invitae), Labcorp
Classification: Uncertain significance for Hypertrophic cardiomyopathy. Last evaluated: 2018-12-18. Review status: criteria provided, single submitter. Criteria: Invitae Variant Classification Sherloc (09022015). Collection method: clinical testing. Allele origin: germline.
Comment: In summary, the available evidence is currently insufficient to determine the role of this variant in disease. Therefore, it has been classified as a Variant of Uncertain Significance. This variant is found within a region of MYH7 between codons 181 and 937 that contains the majority of the myosin head domain. Missense variants in this region have been shown to be significantly overrepresented in individuals with hypertrophic cardiomyopathy (PMID: 27532257). Algorithms developed to predict the effect of missense changes on protein structure and function are either unavailable or do not agree on the potential impact of this missense change (SIFT: "Deleterious"; PolyPhen-2: "Probably Damaging"; Align-GVGD: "Class C0"). This variant has not been reported in the literature in individuals with MYH7-related conditions. This variant is not present in population databases (ExAC no frequency). This sequence change replaces glycine with valine at codon 458 of the MYH7 protein (p.Gly458Val). The glycine residue is highly conserved and there is a moderate physicochemical difference between glycine and valine.

Literature cited by the submitters: PubMed 27532257 (cited by Labcorp Genetics (formerly Invitae), Labcorp).

NM_000257.4(MYH7):c.1373G>T (p.Gly458Val)

Gene: MYH7 (myosin heavy chain 7; minus strand). Cytogenetic location: 14q11.2.
Variant type: single nucleotide variant.
Coding change: c.1373G>T on transcript NM_000257.4 (MANE Select); coding-DNA position 1373, G replaced by T.
Protein change: p.Gly458Val; replaces glycine 458 with valine.
Molecular consequence: missense variant.
Genome position (GRCh38, 1-based): chr14:23,428,989, C>A on the plus strand (G>T on the coding strand, the complement: MYH7 is on the minus strand). VCF-style: chr14-23428989-C-A. GRCh37 (hg19) VCF-style: chr14-23898198-C-A.
Other names: short protein forms G458V.
Identifiers: ClinVar variation 644099 (VCV000644099.10), dbSNP rs1595086725, ClinGen allele CA389050759.
Genomic context (GRCh38, chr14:23,428,989, plus strand): 5'-TCCCACTCCCAGGGGTCCCAACTCACATCGAAGATCTCGAAGCCAGCGATGTCCAGGACT[C>A]CTATGAAGTACTGGCGTGGCTGCTTGGTCTCCAGGGTGGCATTGATGCGCGTCACCATCC-3'
Protein context (NP_000248.2, residues 448-468): ETKQPRQYFI[Gly458Val]VLDIAGFEIF